The following is an entry in ClinVar:

NM_001931.5(DLAT):c.169G>T (p.Ala57Ser)

Gene: DLAT (dihydrolipoamide S-acetyltransferase; plus strand). Cytogenetic location: 11q23.1.
Variant type: single nucleotide variant.
Coding change: c.169G>T on transcript NM_001931.5 (MANE Select); coding-DNA position 169, G replaced by T.
Protein change: p.Ala57Ser; replaces alanine 57 with serine.
Molecular consequence: missense variant. On other transcripts: 5 prime UTR variant (1), non-coding transcript variant (1), intron variant (1).
Genome position (GRCh38, 1-based): chr11:112,025,641, G>T. VCF-style: chr11-112025641-G-T. GRCh37 (hg19) VCF-style: chr11-111896365-G-T.
Other names: c.169G>T, p.Ala57Ser (NM_001372031.1, NM_001372032.1, NM_001372033.1 and 6 more transcripts); c.128G>T, p.Gly43Val (NM_001372036.1); c.-298G>T (NM_001372042.1); c.111+17G>T (NM_001372037.1); short protein forms A57S, G43V.
Identifiers: ClinVar variation 2096432 (VCV002096432.4), dbSNP rs2498393555, ClinGen allele CA382595437.

ClinVar aggregate classification (germline): Uncertain significance (1 of 4 stars; one submission).

Conditions:
Pyruvate dehydrogenase E2 deficiency (PDHDD). Also called: Dihydrolipoamide Acetyltransferase (E2) Deficiency; LACTIC ACIDEMIA DUE TO DEFECT OF E2 LIPOYL TRANSACETYLASE OF THE PYRUVATE DEHYDROGENASE COMPLEX. Identifiers: Orphanet 765, Orphanet 79244, MedGen C1855565, MONDO:0009502, OMIM 245348.

Submission:

Labcorp Genetics (formerly Invitae), Labcorp
Classification: Uncertain significance for Pyruvate dehydrogenase E2 deficiency. Last evaluated: 2024-02-23. Review status: criteria provided, single submitter. Criteria: Invitae Variant Classification Sherloc (09022015). Collection method: clinical testing. Allele origin: germline.
Comment: This sequence change replaces alanine, which is neutral and non-polar, with serine, which is neutral and polar, at codon 57 of the DLAT protein (p.Ala57Ser). This variant is not present in population databases (gnomAD no frequency). This variant has not been reported in the literature in individuals affected with DLAT-related conditions. ClinVar contains an entry for this variant (Variation ID: 2096432). Advanced modeling of protein sequence and biophysical properties (such as structural, functional, and spatial information, amino acid conservation, physicochemical variation, residue mobility, and thermodynamic stability) performed at Invitae indicates that this missense variant is not expected to disrupt DLAT protein function with a negative predictive value of 95%. In summary, the available evidence is currently insufficient to determine the role of this variant in disease. Therefore, it has been classified as a Variant of Uncertain Significance.